The following is an entry in ClinVar:

ClinVar aggregate classification (germline): Conflicting classifications of pathogenicity. Review status: criteria provided, conflicting classifications (1 of 4 stars). 3 submissions from 3 submitters: Uncertain significance (2); Benign (1). Last evaluated 2024-06-11.

Conditions:
Familial thoracic aortic aneurysm and aortic dissection (TAAD). Also called: Thoracic aortic aneurysms and dissections. Identifiers: Orphanet 91387, MedGen C4707243, MONDO:0019625.
Adams-Oliver syndrome 5 (AOS5). Identifiers: Orphanet 974, MedGen C4014970, MONDO:0014459, OMIM 616028.

gnomAD v4.1: 21 of 1,558,604 alleles (0.0013%); highest among the groups gnomAD compares: African/African-American, 0.024%; no homozygotes.

Submissions (3):

Ambry Genetics
Classification: Uncertain significance for Familial thoracic aortic aneurysm and aortic dissection. Last evaluated: 2024-06-11. Review status: criteria provided, single submitter. Criteria: Ambry Variant Classification Scheme 2023. Collection method: clinical testing. Allele origin: germline.

GeneDx
Classification: Uncertain significance. Last evaluated: 2024-04-11. Review status: criteria provided, single submitter. Criteria: GeneDx Variant Classification Process June 2021. Collection method: clinical testing. Allele origin: germline. Affected: yes.
Comment: Has not been previously published as pathogenic or benign to our knowledge; Not observed at significant frequency in large population cohorts (gnomAD); In silico analysis indicates that this missense variant does not alter protein structure/function

Labcorp Genetics (formerly Invitae), Labcorp
Classification: Benign for Adams-Oliver syndrome 5. Last evaluated: 2024-01-13. Review status: criteria provided, single submitter. Criteria: Invitae Variant Classification Sherloc (09022015). Collection method: clinical testing. Allele origin: germline.

NM_017617.5(NOTCH1):c.613G>C (p.Val205Leu)

Gene: NOTCH1 (notch receptor 1; minus strand). Cytogenetic location: 9q34.3.
Variant type: single nucleotide variant.
Coding change: c.613G>C on transcript NM_017617.5 (MANE Select); coding-DNA position 613, G replaced by C.
Protein change: p.Val205Leu; replaces valine 205 with leucine.
Molecular consequence: missense variant.
Genome position (GRCh38, 1-based): chr9:136,522,979, C>G on the plus strand (G>C on the coding strand, the complement: NOTCH1 is on the minus strand). VCF-style: chr9-136522979-C-G. GRCh37 (hg19) VCF-style: chr9-139417431-C-G.
Other names: c.613G>C (NM_017617.3); short protein forms V205L.
Identifiers: ClinVar variation 2808440 (VCV002808440.5), dbSNP rs979299004, ClinGen allele CA201589924.
Genomic context (GRCh38, chr9:136,522,979, plus strand): 5'-AGGGGCTGCAGGGCACGTAGGGCCGCTCGCAGTTGGGGCCAGTGTGGGTGGCGCGGCAGA[C>G]GCAGCGGTAGGAGCCGACCTCGTTGTGGCAGGTGCCTCCGTGGCGGCAAAGCCCGGGCTT-3'
Protein context (NP_060087.3, residues 195-215): CHNEVGSYRC[Val205Leu]CRATHTGPNC